The following is an entry in ClinVar:

NM_004482.4(GALNT3):c.1534G>A (p.Val512Ile)

Gene: GALNT3 (polypeptide N-acetylgalactosaminyltransferase 3; minus strand). Cytogenetic location: 2q24.3.
Variant type: single nucleotide variant.
Coding change: c.1534G>A on transcript NM_004482.4 (MANE Select); coding-DNA position 1534, G replaced by A.
Protein change: p.Val512Ile; replaces valine 512 with isoleucine.
Molecular consequence: missense variant.
Genome position (GRCh38, 1-based): chr2:165,754,719, C>T on the plus strand (G>A on the coding strand, the complement: GALNT3 is on the minus strand). VCF-style: chr2-165754719-C-T. GRCh37 (hg19) VCF-style: chr2-166611229-C-T.
Other names: c.1534G>A (NM_004482.3); short protein forms V512I.
Identifiers: ClinVar variation 1051052 (VCV001051052.12), dbSNP rs374713815, ClinGen allele CA1940916.

ClinVar aggregate classification (germline): Uncertain significance. Review status: criteria provided, multiple submitters, no conflicts (2 of 4 stars). 3 submissions from 3 submitters: Uncertain significance (3). Last evaluated 2025-07-31.

Conditions:
Inborn genetic diseases. Identifiers: MedGen C0950123, MeSH D030342.
Tumoral calcinosis, hyperphosphatemic, familial, 1. Also called: HYPEROSTOSIS WITH HYPERPHOSPHATEMIA; HYPEROSTOSIS-HYPERPHOSPHATEMIA SYNDROME; CORTICAL HYPEROSTOSIS WITH HYPERPHOSPHATEMIA; CALCINOSIS, TUMORAL, WITH HYPERPHOSPHATEMIA; LIPOCALCINOGRANULOMATOSIS; MORBUS TEUTSCHLAENDER. Identifiers: Orphanet 53715, MedGen C4692564, MONDO:0100252, OMIM 211900.

Allele frequency attached by ClinVar (database versions not stated): ExAC 0.00003; gnomAD exomes 0.00004 and 0.00005; gnomAD 0.00007; ESP Exome Variant Server 0.00008; TOPMed 0.00008.
gnomAD v4.1: 85 of 1,610,420 alleles (0.0053%); highest among the groups gnomAD compares: South Asian, 0.019%; 1 homozygote.

Submissions (3):

Ambry Genetics
Classification: Uncertain significance for Inborn genetic diseases. Last evaluated: 2025-07-31. Review status: criteria provided, single submitter. Criteria: Ambry Variant Classification Scheme 2023. Collection method: clinical testing. Allele origin: germline.

Labcorp Genetics (formerly Invitae), Labcorp
Classification: Uncertain significance. Last evaluated: 2024-10-19. Review status: criteria provided, single submitter. Criteria: Invitae Variant Classification Sherloc (09022015). Collection method: clinical testing. Allele origin: germline.
Comment: This sequence change replaces valine, which is neutral and non-polar, with isoleucine, which is neutral and non-polar, at codon 512 of the GALNT3 protein (p.Val512Ile). This variant is present in population databases (rs374713815, gnomAD 0.01%). This variant has not been reported in the literature in individuals affected with GALNT3-related conditions. ClinVar contains an entry for this variant (Variation ID: 1051052). Invitae Evidence Modeling of protein sequence and biophysical properties (such as structural, functional, and spatial information, amino acid conservation, physicochemical variation, residue mobility, and thermodynamic stability) indicates that this missense variant is not expected to disrupt GALNT3 protein function with a negative predictive value of 80%. In summary, the available evidence is currently insufficient to determine the role of this variant in disease. Therefore, it has been classified as a Variant of Uncertain Significance.

Fulgent Genetics
Classification: Uncertain significance for Tumoral calcinosis, hyperphosphatemic, familial, 1. Last evaluated: 2024-01-22. Review status: criteria provided, single submitter. Criteria: ACMG Guidelines, 2015. Collection method: clinical testing. Allele origin: germline.